The following is an entry in ClinVar:

ClinVar aggregate classification (germline): Uncertain significance (1 of 4 stars; one submission).

Allele frequency attached by ClinVar (database versions not stated): gnomAD exomes below 0.00001; gnomAD 0.00001; ExAC 0.00002; TOPMed 0.00003; ESP Exome Variant Server 0.00023.
gnomAD v4.1: 6 of 1,611,078 alleles (0.00037%); highest among the groups gnomAD compares: African/African-American, 0.0067%; no homozygotes.

Submission:

Labcorp Genetics (formerly Invitae), Labcorp
Classification: Uncertain significance. Last evaluated: 2024-01-19. Review status: criteria provided, single submitter. Criteria: Invitae Variant Classification Sherloc (09022015). Collection method: clinical testing. Allele origin: germline.
Comment: This sequence change replaces leucine, which is neutral and non-polar, with valine, which is neutral and non-polar, at codon 793 of the WHRN protein (p.Leu793Val). This variant is present in population databases (rs151116717, gnomAD 0.01%). This variant has not been reported in the literature in individuals affected with WHRN-related conditions. ClinVar contains an entry for this variant (Variation ID: 1904540). An algorithm developed to predict the effect of missense changes on protein structure and function (PolyPhen-2) suggests that this variant¬†is likely to be tolerated. In summary, the available evidence is currently insufficient to determine the role of this variant in disease. Therefore, it has been classified as a Variant of Uncertain Significance.

NM_015404.4(WHRN):c.2377C>G (p.Leu793Val)

Gene: WHRN (whirlin; minus strand). Cytogenetic location: 9q32.
Variant type: single nucleotide variant.
Coding change: c.2377C>G on transcript NM_015404.4 (MANE Select); coding-DNA position 2377, C replaced by G.
Protein change: p.Leu793Val; replaces leucine 793 with valine.
Molecular consequence: missense variant.
Genome position (GRCh38, 1-based): chr9:114,403,937, G>C on the plus strand (C>G on the coding strand, the complement: WHRN is on the minus strand). VCF-style: chr9-114403937-G-C. GRCh37 (hg19) VCF-style: chr9-117166217-G-C.
Other names: c.1228C>G, p.Leu410Val (NM_001083885.3); c.2374C>G, p.Leu792Val (NM_001173425.2); c.1324C>G, p.Leu442Val (NM_001346890.1); short protein forms L442V, L792V, L410V, L793V.
Identifiers: ClinVar variation 1904540 (VCV001904540.3), dbSNP rs151116717, ClinGen allele CA5205656.